The following is an entry in ClinVar:

ClinVar aggregate classification (germline): Likely pathogenic (1 of 4 stars; one submission).

Submission:

Genetic Services Laboratory, University of Chicago
Classification: Likely pathogenic. Last evaluated: 2023-08-09. Review status: criteria provided, single submitter. Criteria: ACMG Guidelines, 2015. Collection method: clinical testing. Allele origin: germline. Affected: yes.
Comment: DNA sequence analysis of the KCND3 gene demonstrated a sequence change, c.1154C>G, in exon 3 that results in an amino acid change, p.Ser385Cys. This sequence change does not appear to have been previously described in individuals with KCND3-related disorders and has also not been described in population databases such as ExAC and gnomAD. Another sequence change affecting the same amino acid residue (p.Ser385Pro) has been described in an individual with a dual diagnosis of developmental delay, ataxia, epilepsy, Hirschsprung disease and abnormal mitochondrial function who also had another variant in the PMPCA gene (PMID 28327206). The p.Ser385Cys change affects a highly conserved amino acid residue located in a domain of the KCND3 protein that is known to be functional (PMID 23280838). The p.Ser385Cys substitution appears to be deleterious using several in-silico pathogenicity prediction tools (SIFT, PolyPhen2, REVEL). Collectively, this evidence indicates that this sequence change is likely pathogenic

NM_001378969.1(KCND3):c.1154C>G (p.Ser385Cys)

Gene: KCND3 (potassium voltage-gated channel subfamily D member 3; minus strand). Cytogenetic location: 1p13.2.
Variant type: single nucleotide variant.
Coding change: c.1154C>G on transcript NM_001378969.1 (MANE Select); coding-DNA position 1154, C replaced by G.
Protein change: p.Ser385Cys; replaces serine 385 with cysteine.
Molecular consequence: missense variant.
Genome position (GRCh38, 1-based): chr1:111,787,059, G>C on the plus strand (C>G on the coding strand, the complement: KCND3 is on the minus strand). VCF-style: chr1-111787059-G-C. GRCh37 (hg19) VCF-style: chr1-112329681-G-C.
Other names: c.1154C>G, p.Ser385Cys (NM_004980.5, NM_172198.3, NM_001378970.1); short protein forms S385C.
Identifiers: ClinVar variation 4082456 (VCV004082456.2).